The following is an entry in ClinVar:

ClinVar aggregate classification (germline): Likely benign (1 of 4 stars; one submission).

Allele frequency attached by ClinVar (database versions not stated): 1000 Genomes Project 30x 0.00094; 1000 Genomes Project 0.00100; gnomAD 0.00255; ExAC 0.00280; TOPMed 0.00294; ESP Exome Variant Server 0.00323; gnomAD exomes 0.00470.

Submission:

CeGaT Center for Human Genetics Tuebingen
Classification: Likely benign. Last evaluated: 2023-01-01. Review status: criteria provided, single submitter. Criteria: CeGaT Center For Human Genetics Tuebingen Variant Classification Criteria Version 2. Collection method: clinical testing. Allele origin: germline. Affected: yes. Observed: 2 variant alleles.
Comment: MYH1: BP4, BS2

NM_005963.4(MYH1):c.5583C>T (p.Asp1861=)

Genes: MYH1 (myosin heavy chain 1; minus strand), MYHAS (myosin heavy chain gene cluster antisense RNA; plus strand). Cytogenetic location: 17p13.1.
Variant type: single nucleotide variant.
Coding change: c.5583C>T on transcript NM_005963.4 (MANE Select); coding-DNA position 5583, C replaced by T.
Protein change: p.Asp1861=; no amino-acid change (aspartic acid 1861 retained).
Molecular consequence: synonymous variant.
Genome position (GRCh38, 1-based): chr17:10,494,438, G>A on the plus strand (C>T on the coding strand, the complement: MYH1 is on the minus strand). VCF-style: chr17-10494438-G-A. GRCh37 (hg19) VCF-style: chr17-10397755-G-A.
Identifiers: ClinVar variation 2647475 (VCV002647475.24), dbSNP rs151180649, ClinGen allele CA047833.